The following is an entry in ClinVar:

ClinVar aggregate classification (germline): Uncertain significance. Review status: criteria provided, single submitter (1 of 4 stars). 2 submissions from 2 submitters: Uncertain significance (1). 1 of the submissions does not count toward it. Last evaluated 2022-09-13.

Conditions:
USP7-related disorder. Also called: USP7-related condition.

Submissions (2):

Labcorp Genetics (formerly Invitae), Labcorp
Classification: Uncertain significance. Last evaluated: 2022-09-13. Review status: criteria provided, single submitter. Criteria: Invitae Variant Classification Sherloc (09022015). Collection method: clinical testing. Allele origin: germline.
Comment: This variant, c.28_30del, results in the deletion of 1 amino acid(s) of the USP7 protein (p.Gln10del), but otherwise preserves the integrity of the reading frame. The frequency data for this variant in the population databases is considered unreliable, as metrics indicate poor data quality at this position in the gnomAD database. This variant has not been reported in the literature in individuals affected with USP7-related conditions. Experimental studies and prediction algorithms are not available or were not evaluated, and the functional significance of this variant is currently unknown. In summary, the available evidence is currently insufficient to determine the role of this variant in disease. Therefore, it has been classified as a Variant of Uncertain Significance.

PreventionGenetics, part of Exact Sciences
Classification: Likely benign for USP7-related condition. Last evaluated: 2020-12-14. Review status: no assertion criteria provided. Collection method: clinical testing. Allele origin: germline. Not counted in ClinVar's aggregate classification.
Comment: This variant is classified as likely benign based on ACMG/AMP sequence variant interpretation guidelines (Richards et al. 2015 PMID: 25741868, with internal and published modifications).

NM_003470.3(USP7):c.10CAG[6] (p.Gln10del)

Genes: USP7 (ubiquitin specific peptidase 7; minus strand), USP7-AS1 (USP7 antisense RNA 1; plus strand). Cytogenetic location: 16p13.2.
Variant type: Microsatellite.
Coding change: c.10CAG[6] on transcript NM_003470.3 (MANE Select); six copies in a row of the 3-base unit CAG starting at c.10; the reference has seven copies in a row; one copy, 3 bases deleted.
Protein change: p.Gln10del; deletes glutamine 10.
Molecular consequence: inframe deletion.
Genome position (GRCh38, 1-based): chr16:8,963,256-8,963,258, CTG deleted on the plus strand (CAG on the coding strand, the reverse complement: USP7 is on the minus strand); deleting any 3 consecutive bases within chr16:8,963,256-8,963,276 gives the same sequence; the position shown is the placement nearest the transcript's 3' end. VCF-style (leftmost placement, unchanged base first): chr16-8963255-TCTG-T. GRCh37 (hg19) VCF-style: chr16-9057112-TCTG-T.
Other names: c.28_30delCAG (NM_003470.2); short protein forms Q10del.
Identifiers: ClinVar variation 2040683 (VCV002040683.3), dbSNP rs749570604, ClinGen allele CA7895906.